The following is an entry in ClinVar:

NM_014141.6(CNTNAP2):c.1033G>A (p.Val345Ile)

Gene: CNTNAP2 (contactin associated protein 2; plus strand). Cytogenetic location: 7q35.
Variant type: single nucleotide variant.
Coding change: c.1033G>A on transcript NM_014141.6 (MANE Select); coding-DNA position 1033, G replaced by A.
Protein change: p.Val345Ile; replaces valine 345 with isoleucine.
Molecular consequence: missense variant.
Genome position (GRCh38, 1-based): chr7:147,128,786, G>A. VCF-style: chr7-147128786-G-A. GRCh37 (hg19) VCF-style: chr7-146825878-G-A.
Other names: short protein forms V345I.
Identifiers: ClinVar variation 380435 (VCV000380435.14), dbSNP rs145832489, ClinGen allele CA4545952.

ClinVar aggregate classification (germline): Conflicting classifications of pathogenicity. Review status: criteria provided, conflicting classifications (1 of 4 stars). 5 submissions from 5 submitters: Uncertain significance (4); Likely benign (1). Last evaluated 2024-10-24.

Conditions:
Cortical dysplasia-focal epilepsy syndrome (PTHSL1). Also called: Pitt-Hopkins-like syndrome 1. Identifiers: Orphanet 163681, Orphanet 221150, MedGen C2750246, MONDO:0012400, OMIM 610042.
Autism, susceptibility to, 15. Also called: Autism susceptibility 15. Identifiers: MedGen C2677504, MONDO:0012801, OMIM 612100.

Allele frequency attached by ClinVar (database versions not stated): gnomAD 0.00006 and 0.00011; TOPMed 0.00008; ESP Exome Variant Server 0.00015; gnomAD exomes 0.00028; ExAC 0.00039; 1000 Genomes Project 30x 0.00047; 1000 Genomes Project 0.00060.
gnomAD v4.1: 190 of 1,614,016 alleles (0.012%); highest among the groups gnomAD compares: South Asian, 0.13%; no homozygotes.

Submissions (5):

Blueprint Genetics
Classification: Likely benign. Last evaluated: 2024-10-24. Review status: criteria provided, single submitter. Criteria: ACMG Guidelines, 2015. Collection method: clinical testing. Allele origin: germline.

GeneDx
Classification: Uncertain significance. Last evaluated: 2023-05-23. Review status: criteria provided, single submitter. Criteria: GeneDx Variant Classification Process June 2021. Collection method: clinical testing. Allele origin: germline. Affected: yes.
Comment: In silico analysis supports that this missense variant does not alter protein structure/function; This variant is associated with the following publications: (PMID: 22936568, 23714751)

Labcorp Genetics (formerly Invitae), Labcorp
Classification: Uncertain significance for Cortical dysplasia-focal epilepsy syndrome. Last evaluated: 2022-09-15. Review status: criteria provided, single submitter. Criteria: Invitae Variant Classification Sherloc (09022015). Collection method: clinical testing. Allele origin: germline.
Comment: This sequence change replaces valine, which is neutral and non-polar, with isoleucine, which is neutral and non-polar, at codon 345 of the CNTNAP2 protein (p.Val345Ile). This variant is present in population databases (rs145832489, gnomAD 0.1%). This variant has not been reported in the literature in individuals affected with CNTNAP2-related conditions. ClinVar contains an entry for this variant (Variation ID: 380435). Algorithms developed to predict the effect of missense changes on protein structure and function output the following: SIFT: "Tolerated"; PolyPhen-2: "Benign"; Align-GVGD: "Class C0". The isoleucine amino acid residue is found in multiple mammalian species, which suggests that this missense change does not adversely affect protein function. In summary, the available evidence is currently insufficient to determine the role of this variant in disease. Therefore, it has been classified as a Variant of Uncertain Significance.

Fulgent Genetics
Classification: Uncertain significance for Cortical dysplasia-focal epilepsy syndrome; Autism, susceptibility to, 15. Last evaluated: 2022-01-06. Review status: criteria provided, single submitter. Criteria: ACMG Guidelines, 2015. Collection method: clinical testing. Allele origin: unknown.

Illumina Laboratory Services, Illumina
Classification: Uncertain significance for Cortical dysplasia-focal epilepsy syndrome. Last evaluated: 2018-02-28. Review status: criteria provided, single submitter. Criteria: ICSL Variant Classification Criteria 13 December 2019. Collection method: clinical testing. Allele origin: germline.